The following is an entry in ClinVar:

NC_000016.9:g.(?_70286624)_(70305895_?)del

Gene: AARS1 (alanyl-tRNA synthetase 1; minus strand). Cytogenetic location: 16q22.1.
Variant type: Deletion.
Identifiers: ClinVar variation 2424207 (VCV002424207.4).

ClinVar aggregate classification (germline): Pathogenic (1 of 4 stars; one submission).

Conditions:
Charcot-Marie-Tooth disease type 2. Also called: Charcot-Marie-Tooth type 2. Identifiers: Orphanet 64746, MedGen C0270914, MONDO:0018993.

Submission:

Labcorp Genetics (formerly Invitae), Labcorp
Classification: Pathogenic for Charcot-Marie-Tooth disease type 2. Last evaluated: 2023-11-24. Review status: criteria provided, single submitter. Criteria: Invitae Variant Classification Sherloc (09022015). Collection method: clinical testing. Allele origin: germline.
Comment: This variant is a gross deletion of the genomic region encompassing exon(s) 5-21 of the AARS gene, which includes the termination codon. This deletion extends beyond the assayed region for this gene and therefore may encompass additional genes. While this deletion is not anticipated to lead to nonsense mediated decay, it is expected to alter mRNA translation or result in a truncated protein product. This variant has not been reported in the literature in individuals affected with AARS-related conditions. This variant disrupts a region of the AARS protein in which other variant(s) (p.Gly913Asp) have been determined to be pathogenic (PMID: 28493438, 31791873, 34446925). This suggests that this is a clinically significant region of the protein, and that variants that disrupt it are likely to be disease-causing. For these reasons, this variant has been classified as Pathogenic.

Literature cited by the submitters: PubMed 28493438; PubMed 31791873; PubMed 34446925.